The following is an entry in ClinVar:

ClinVar aggregate classification (germline): Uncertain significance. Review status: criteria provided, multiple submitters, no conflicts (2 of 4 stars). 5 submissions from 5 submitters: Uncertain significance (5). Last evaluated 2026-04-06.

Conditions:
Achondrogenesis, type IB (ACG1B). Also called: Achondrogenesis Type 1B. Identifiers: Orphanet 932, Orphanet 93298, MedGen C0265274, MONDO:0010966, OMIM 600972.
Atelosteogenesis type II (AO2). Also called: NEONATAL OSSEOUS DYSPLASIA I; Neonatal osseous dysplasia 1; SLC26A2-Related Atelosteogenesis. Identifiers: Orphanet 56304, MedGen C1850554, MONDO:0009727, OMIM 256050.
Multiple epiphyseal dysplasia type 4 (EDM4). Also called: Multiple Epiphyseal Dysplasia, Recessive; MULTIPLE EPIPHYSEAL DYSPLASIA WITH BILAYERED PATELLAE; MULTIPLE EPIPHYSEAL DYSPLASIA WITH CLUBFOOT; MULTIPLE EPIPHYSEAL DYSPLASIA, AUTOSOMAL RECESSIVE; SLC26A2-Related Multiple Epiphyseal Dysplasia. Identifiers: Orphanet 93307, MedGen C1847593, MONDO:0009189, OMIM 226900.
Diastrophic dysplasia (DTD). Also called: Diastrophic dwarfism. Identifiers: Orphanet 628, MedGen C0220726, MONDO:0009107, OMIM 222600.

Allele frequency attached by ClinVar (database versions not stated): ExAC 0.00002; gnomAD 0.00001; TOPMed 0.00001; gnomAD exomes 0.00002 and 0.00001.
gnomAD v4.1: 11 of 1,613,758 alleles (0.00068%); highest among the groups gnomAD compares: South Asian, 0.0077%; 1 homozygote.

Submissions (5):

GeneDx
Classification: Uncertain significance. Last evaluated: 2026-04-06. Review status: criteria provided, single submitter. Criteria: GeneDx Variant Classification Process June 2021. Collection method: clinical testing. Allele origin: germline.
Comment: Observed in assumed homozygous state in patients referred for genetic testing at GeneDx and in the literature and not observed in homozygous state in controls; however, detailed clinical information was not provided for all published probands (PMID: 41162535, 34627339); Not observed at significant frequency in large population cohorts (gnomAD); In silico analysis supports that this missense variant has a deleterious effect on protein structure/function; This variant is associated with the following publications: (PMID: 41162535, 34627339)

Foundation for Research in Genetics and Endocrinology, FRIGE's Institute of Human Genetics
Classification: Uncertain significance for Achondrogenesis, type IB. Last evaluated: 2026-02-16. Review status: criteria provided, single submitter. Criteria: ACMG Guidelines, 2015. Collection method: clinical testing. Allele origin: germline. Inheritance: Autosomal recessive inheritance. Affected: yes. Observed: 1 compound heterozygote.
Comment: A heterozygous missense variant in exon 3 of the SLC26A2 gene that results in the amino acid substitution of Serine for Proline at codon 374 (p.Pro374Ser) was detected. The observed variant has not been reported in the 1000 genomes databases and has a minor allele frequency of 0.00131%, 0.00159% and 0.00076% in the gnomAD (v3.1), gnomAD (v2.1) and topmed databases respectively. The in silico predictions of the variant are probably damaging by PolyPhen-2 and damaging by SIFT, LRT, CONDEL, FATHMM and MetaSVM. The reference codon is conserved across species. In summary, the variant meets our criteria to be classified as variant of uncertain significance.

Labcorp Genetics (formerly Invitae), Labcorp
Classification: Uncertain significance for Atelosteogenesis type II; Multiple epiphyseal dysplasia type 4; Achondrogenesis, type IB; Diastrophic dysplasia. Last evaluated: 2024-01-09. Review status: criteria provided, single submitter. Criteria: Invitae Variant Classification Sherloc (09022015). Collection method: clinical testing. Allele origin: germline.
Comment: This sequence change replaces proline, which is neutral and non-polar, with serine, which is neutral and polar, at codon 374 of the SLC26A2 protein (p.Pro374Ser). This variant is present in population databases (rs763082940, gnomAD 0.01%). This missense change has been observed in individual(s) with clinical features of diastrophic dysplasia (PMID: 34627339; Invitae). ClinVar contains an entry for this variant (Variation ID: 1224336). Advanced modeling of protein sequence and biophysical properties (such as structural, functional, and spatial information, amino acid conservation, physicochemical variation, residue mobility, and thermodynamic stability) performed at Invitae indicates that this missense variant is expected to disrupt SLC26A2 protein function with a positive predictive value of 80%. In summary, the available evidence is currently insufficient to determine the role of this variant in disease. Therefore, it has been classified as a Variant of Uncertain Significance.

Blueprint Genetics
Classification: Uncertain significance. Last evaluated: 2018-07-09. Review status: criteria provided, single submitter. Criteria: ACMG Guidelines, 2015. Collection method: clinical testing. Allele origin: germline.

Medical Molecular Genetics Department, National Research Center
Classification: Uncertain significance for Diastrophic dysplasia. Review status: criteria provided, single submitter. Criteria: ACMG Guidelines, 2015. Collection method: research. Allele origin: germline. Inheritance: Autosomal recessive inheritance. Affected: yes.
Comment: The c.1120C>T p.Pro374Ser variant is of rare frequency on gnomAD (0.0007%). The substitution of cyclic, non-polar proline amino acid with polar, hydrophilic serine would affect the protein structure. This variant has been reported once (PMID: 34627339). No functional studies were done. It is classified as VUS (PM2, PP3) according to ACMG guidelines.

Literature cited by the submitters: PubMed 34627339 (cited by Labcorp Genetics (formerly Invitae), Labcorp and Medical Molecular Genetics Department, National Research Center).

NM_000112.4(SLC26A2):c.1120C>T (p.Pro374Ser)

Gene: SLC26A2 (solute carrier family 26 member 2; plus strand). Cytogenetic location: 5q32.
Variant type: single nucleotide variant.
Coding change: c.1120C>T on transcript NM_000112.4 (MANE Select); coding-DNA position 1120, C replaced by T.
Protein change: p.Pro374Ser; replaces proline 374 with serine.
Molecular consequence: missense variant.
Genome position (GRCh38, 1-based): chr5:149,980,713, C>T. VCF-style: chr5-149980713-C-T. GRCh37 (hg19) VCF-style: chr5-149360276-C-T.
Other names: p.Pro374Ser; short protein forms P374S.
Identifiers: ClinVar variation 1224336 (VCV001224336.8), dbSNP rs763082940, ClinGen allele CA3505387.
Genomic context (GRCh38, chr5:149,980,713, plus strand): 5'-GAAAATTATAATTCTAGTATTGCTGGACATATTCCCACTGGGTTTATGCCACCCAAAGTA[C>T]CAGAATGGAACCTAATTCCTAGTGTGGCTGTAGATGCAATAGCTATTTCCATCATTGGTT-3'
Protein context (NP_000103.2, residues 364-384): IPTGFMPPKV[Pro374Ser]EWNLIPSVAV